The following is an entry in ClinVar:

ClinVar aggregate classification (germline): Uncertain significance (1 of 4 stars; one submission).

Conditions:
Bethlem myopathy 1A. Also called: Bethlem myopathy 1; Bethlem Muscular Dystrophy; MYOPATHY, BENIGN CONGENITAL, WITH CONTRACTURES. Identifiers: Orphanet 610, MedGen CN029274, MONDO:0024530, OMIM 158810.

Submission:

Labcorp Genetics (formerly Invitae), Labcorp
Classification: Uncertain significance for Bethlem myopathy 1A. Last evaluated: 2022-12-29. Review status: criteria provided, single submitter. Criteria: Invitae Variant Classification Sherloc (09022015). Collection method: clinical testing. Allele origin: germline.
Comment: Variants that disrupt the consensus splice site are a relatively common cause of aberrant splicing (PMID: 17576681, 9536098). Algorithms developed to predict the effect of sequence changes on RNA splicing suggest that this variant is not likely to affect RNA splicing. In summary, the available evidence is currently insufficient to determine the role of this variant in disease. Therefore, it has been classified as a Variant of Uncertain Significance. This variant has not been reported in the literature in individuals affected with COL6A3-related conditions. This variant is not present in population databases (gnomAD no frequency). This sequence change falls in intron 9 of the COL6A3 gene. It does not directly change the encoded amino acid sequence of the COL6A3 protein. It affects a nucleotide within the consensus splice site.

Literature cited by the submitters: PubMed 17576681; PubMed 9536098.

NM_004369.4(COL6A3):c.4285+3G>A

Gene: COL6A3 (collagen type VI alpha 3 chain; minus strand). Cytogenetic location: 2q37.3.
Variant type: single nucleotide variant.
Coding change: c.4285+3G>A on transcript NM_004369.4 (MANE Select); 3 bases into the intron after coding-DNA position 4285, G replaced by A.
Molecular consequence: intron variant. On other transcripts: missense variant (2).
Genome position (GRCh38, 1-based): chr2:237,371,729, C>T on the plus strand (G>A on the coding strand, the complement: COL6A3 is on the minus strand). VCF-style: chr2-237371729-C-T. GRCh37 (hg19) VCF-style: chr2-238280372-C-T.
Other names: c.3067G>A, p.Glu1023Lys (NM_057164.5); c.3670G>A, p.Glu1224Lys (NM_057165.5); c.2464+3G>A (NM_057166.5); c.3667+3G>A (NM_057167.4); short protein forms E1023K, E1224K.
Identifiers: ClinVar variation 2731321 (VCV002731321.3), dbSNP rs1161560565, ClinGen allele CA351196181.